The following is an entry in ClinVar:

ClinVar aggregate classification (germline): Uncertain significance (1 of 4 stars; one submission).

Conditions:
Melnick-Needles syndrome (MNS). Also called: MELNICK-NEEDLES OSTEODYSPLASTY; OSTEODYSPLASTY OF MELNICK AND NEEDLES; Melnick-Needles Syndrome (FLNA-MNS). Identifiers: Orphanet 2484, MedGen C0025237, MONDO:0010650, OMIM 309350.
Heterotopia, periventricular, X-linked dominant (PVNH1). Also called: PERIVENTRICULAR NODULAR HETEROTOPIA 1; X-linked periventricular heterotopia; PERIVENTRICULAR NODULAR HETEROTOPIA 4; HETEROTOPIA, PERIVENTRICULAR, 1. Identifiers: Orphanet 2149, Orphanet 82004, MedGen C1848213, MONDO:0010233, OMIM 300049.
Frontometaphyseal dysplasia (FMD1). Identifiers: Orphanet 1826, MedGen C0265293, MONDO:0015942.
Oto-palato-digital syndrome, type II (OPD2). Also called: FACIOPALATOOSSEOUS SYNDROME; OPD II SYNDROME; Otopalatodigital Syndrome Type 2 (FLNA-OPD2); Otopalatodigital Syndrome, Type II. Identifiers: Orphanet 669, Orphanet 90652, MedGen C1844696, MONDO:0010571, OMIM 304120.

Submission:

Labcorp Genetics (formerly Invitae), Labcorp
Classification: Uncertain significance for Oto-palato-digital syndrome, type II; Heterotopia, periventricular, X-linked dominant; Frontometaphyseal dysplasia; Melnick-Needles syndrome. Last evaluated: 2022-04-20. Review status: criteria provided, single submitter. Criteria: Invitae Variant Classification Sherloc (09022015). Collection method: clinical testing. Allele origin: germline.
Comment: In summary, the available evidence is currently insufficient to determine the role of this variant in disease. Therefore, it has been classified as a Variant of Uncertain Significance. Algorithms developed to predict the effect of sequence changes on RNA splicing suggest that this variant may disrupt the consensus splice site. Advanced modeling of protein sequence and biophysical properties (such as structural, functional, and spatial information, amino acid conservation, physicochemical variation, residue mobility, and thermodynamic stability) performed at Invitae indicates that this missense variant is not expected to disrupt FLNA protein function. This variant has not been reported in the literature in individuals affected with FLNA-related conditions. This variant is not present in population databases (gnomAD no frequency). This sequence change replaces glutamic acid, which is acidic and polar, with lysine, which is basic and polar, at codon 639 of the FLNA protein (p.Glu639Lys).

NM_001110556.2(FLNA):c.1915G>A (p.Glu639Lys)

Gene: FLNA (filamin A; minus strand). Cytogenetic location: Xq28.
Variant type: single nucleotide variant.
Coding change: c.1915G>A on transcript NM_001110556.2 (MANE Select); coding-DNA position 1915, G replaced by A.
Protein change: p.Glu639Lys; replaces glutamic acid 639 with lysine.
Molecular consequence: missense variant.
Genome position (GRCh38, 1-based): chrX:154,364,633, C>T on the plus strand (G>A on the coding strand, the complement: FLNA is on the minus strand). VCF-style: chrX-154364633-C-T. GRCh37 (hg19) VCF-style: chrX-153593001-C-T.
Other names: c.1915G>A, p.Glu639Lys (NM_001456.4); short protein forms E639K.
Identifiers: ClinVar variation 2108319 (VCV002108319.4), dbSNP rs2522754805, ClinGen allele CA415241665.